The following is an entry in ClinVar:

ClinVar aggregate classification (germline): Likely pathogenic (1 of 4 stars; one submission).

Conditions:
Cockayne syndrome type 2 (CSB). Also called: COCKAYNE SYNDROME B; Cockayne Syndrome, Type II. Identifiers: Orphanet 191, Orphanet 90322, MedGen C0751038, MONDO:0019570, OMIM 133540.

Submission:

Myriad Genetics, Inc.
Classification: Likely pathogenic for Cockayne syndrome type 2. Last evaluated: 2022-01-08. Review status: criteria provided, single submitter. Criteria: Myriad Women's Health Autosomal Recessive and X-Linked Classification Criteria (2021). Collection method: clinical testing. Allele origin: unknown.
Comment: NM_000124.2(ERCC6):c.2636delA(K879Sfs*13) is expected to be pathogenic in the context of ERCC6-related disorders. This variant is predicted to lead to an abnormal or absent protein product due to the creation of a premature termination codon in ERCC6, a gene where loss-of-function variants are known to be pathogenic. Please note: this variant was assessed in the context of healthy population screening.

NM_000124.4(ERCC6):c.2636del (p.Lys879fs)

Gene: ERCC6 (ERCC excision repair 6, chromatin remodeling factor; minus strand). Cytogenetic location: 10q11.23.
Variant type: Deletion.
Coding change: c.2636del on transcript NM_000124.4 (MANE Select); coding-DNA position 2636, one base deleted (A; older notation c.2636delA).
Protein change: p.Lys879fs; shifts the reading frame from lysine 879.
Molecular consequence: frameshift variant.
Genome position (GRCh38, 1-based): chr10:49,473,550, T deleted on the plus strand (A on the coding strand, the reverse complement: ERCC6 is on the minus strand); the first of 4 consecutive T bases (chr10:49,473,550-49,473,553); deleting any one gives the same sequence. VCF-style (leftmost placement, unchanged base first): chr10-49473549-CT-C. GRCh37 (hg19) VCF-style: chr10-50681595-CT-C.
Other names: c.2636del, p.Lys879fs (NM_001346440.2); short protein forms K879fs.
Identifiers: ClinVar variation 1726993 (VCV001726993.2), dbSNP rs2495982918, ClinGen allele CA2580081583.
Genomic context (GRCh38, chr10:49,473,549, plus strand): 5'-CGTAATCAGTGGCTGTCTTGAAGCTATTGTAGTGGTACCATCCATCTTGAGATAGGTATA[CT>C]TTTGGGCTCTAAGGAATACTTCAAGTATGTCCAGCATCTGTTTGGAGGTGGGGGATAGGA-3'